The following is an entry in ClinVar:

ClinVar aggregate classification (germline): Pathogenic. Review status: reviewed by expert panel (3 of 4 stars). 2 submissions from 2 submitters: Pathogenic (1). 1 of the submissions does not count toward it. Last evaluated 2016-10-18.

Conditions:
Breast-ovarian cancer, familial, susceptibility to, 2 (BROVCA2). Also called: BRCA2 Hereditary Breast and Ovarian Cancer. Identifiers: Orphanet 145, MedGen C2675520, MONDO:0012933, OMIM 612555. Disease mechanism: loss of function.

Submissions (2):

Evidence-based Network for the Interpretation of Germline Mutant Alleles (ENIGMA)
Classification: Pathogenic for Breast-ovarian cancer, familial, susceptibility to, 2. Last evaluated: 2016-10-18. Review status: reviewed by expert panel. Criteria: ENIGMA BRCA1/2 Classification Criteria (2015). Collection method: curation. Allele origin: germline.
Comment: Variant allele predicted to encode a truncated non-functional protein.

Consortium of Investigators of Modifiers of BRCA1/2 (CIMBA), c/o University of Cambridge
Classification: Pathogenic for Breast-ovarian cancer, familial, susceptibility to, 2. Last evaluated: 2015-10-02. Review status: criteria provided, single submitter. Criteria: CIMBA Mutation Classification guidelines May 2016. Collection method: clinical testing. Allele origin: germline. Not counted in ClinVar's aggregate classification.

NC_000013.11:g.32338993_32338995delinsGG

Gene: BRCA2 (BRCA2 DNA repair associated; plus strand). Cytogenetic location: 13q13.1.
Variant type: Indel.
Genome position: GRCh38 VCF-style: chr13-32338993-TGA-GG. GRCh37 (hg19) VCF-style: chr13-32913130-TGA-GG.
Other names: 4866del3insGG; c.4638_4640delinsGG, p.Phe1546fs (LRG_293t1).
Identifiers: ClinVar variation 266823 (VCV000266823.5), dbSNP rs886040541, ClinGen allele CA10589270.